The following is an entry in ClinVar:

ClinVar aggregate classification (germline): Uncertain significance (1 of 4 stars; one submission).

Conditions:
Psoriasis 2. Identifiers: MedGen C1864497, MONDO:0011269, OMIM 602723.
Pityriasis rubra pilaris (PRP). Also called: Pityriasis rubra pilaris--familial type. Identifiers: Orphanet 2897, MedGen C0032027, MONDO:0100017, OMIM 173200, MONDO:0008251.

Allele frequency attached by ClinVar (database versions not stated): gnomAD exomes 0.00001; ExAC 0.00002; gnomAD 0.00003; TOPMed 0.00003.
gnomAD v4.1: 16 of 1,613,222 alleles (0.00099%); highest among the groups gnomAD compares: Non-Finnish European, 0.0014%; no homozygotes.

Submission:

Labcorp Genetics (formerly Invitae), Labcorp
Classification: Uncertain significance for Pityriasis rubra pilaris; Psoriasis 2. Last evaluated: 2025-12-06. Review status: criteria provided, single submitter. Criteria: Invitae Variant Classification Sherloc (09022015). Collection method: clinical testing. Allele origin: germline.
Comment: This sequence change replaces asparagine, which is neutral and polar, with aspartic acid, which is acidic and polar, at codon 722 of the CARD14 protein (p.Asn722Asp). This variant is present in population databases (rs769617562, gnomAD 0.002%). This variant has not been reported in the literature in individuals affected with CARD14-related conditions. ClinVar contains an entry for this variant (Variation ID: 2925619). Invitae Evidence Modeling of protein sequence and biophysical properties (such as structural, functional, and spatial information, amino acid conservation, physicochemical variation, residue mobility, and thermodynamic stability) indicates that this missense variant is not expected to disrupt CARD14 protein function with a negative predictive value of 95%. In summary, the available evidence is currently insufficient to determine the role of this variant in disease. Therefore, it has been classified as a Variant of Uncertain Significance.

NM_001366385.1(CARD14):c.2164A>G (p.Asn722Asp)

Genes: CARD14 (caspase recruitment domain family member 14; plus strand), SGSH (N-sulfoglucosamine sulfohydrolase; minus strand). Cytogenetic location: 17q25.3.
Variant type: single nucleotide variant.
Coding change: c.2164A>G on transcript NM_001366385.1 (MANE Select); coding-DNA position 2164, A replaced by G.
Protein change: p.Asn722Asp; replaces asparagine 722 with aspartic acid.
Molecular consequence: missense variant. On other transcripts: non-coding transcript variant (1).
Genome position (GRCh38, 1-based): chr17:80,202,365, A>G. VCF-style: chr17-80202365-A-G. GRCh37 (hg19) VCF-style: chr17-78176164-A-G.
Other names: c.2164A>G, p.Asn722Asp (NM_001257970.1, NM_024110.4); short protein forms N722D.
Identifiers: ClinVar variation 2925619 (VCV002925619.3), dbSNP rs769617562, ClinGen allele CA8817195.